The following is an entry in ClinVar:

NM_002334.4(LRP4):c.2938G>A (p.Glu980Lys)

Gene: LRP4 (LDL receptor related protein 4; minus strand). Cytogenetic location: 11p11.2.
Variant type: single nucleotide variant.
Coding change: c.2938G>A on transcript NM_002334.4 (MANE Select); coding-DNA position 2938, G replaced by A.
Protein change: p.Glu980Lys; replaces glutamic acid 980 with lysine.
Molecular consequence: missense variant.
Genome position (GRCh38, 1-based): chr11:46,879,192, C>T on the plus strand (G>A on the coding strand, the complement: LRP4 is on the minus strand). VCF-style: chr11-46879192-C-T. GRCh37 (hg19) VCF-style: chr11-46900743-C-T.
Other names: short protein forms E980K.
Identifiers: ClinVar variation 3758622 (VCV003758622.2).
Genomic context (GRCh38, chr11:46,879,192, plus strand): 5'-GCCGGCGGCGGTGGAAGACATGGATGTCCATTAGGTTTTCCAGGTTCTCCTGCAGAGTCT[C>T]CCGGTCCAGCCCTGTCAGCCGGTCAGCGCTCTGTATGCTCTTGGTCTGCCAGTCAGTCCA-3'
Protein context (NP_002325.2, residues 970-990): SADRLTGLDR[Glu980Lys]TLQENLENLM

ClinVar aggregate classification (germline): Uncertain significance (1 of 4 stars; one submission).

Conditions:
Cenani-Lenz syndactyly syndrome. Also called: CENANI SYNDACTYLISM; SYNDACTYLY, TYPE VII. Identifiers: Orphanet 3258, MedGen C1859309, MONDO:0008931, OMIM 212780.
Sclerosteosis 2 (SOST2). Identifiers: Orphanet 3152, MedGen C3280402, MONDO:0013679, OMIM 614305.
Congenital myasthenic syndrome 17. Identifiers: Orphanet 590, MedGen C4225377, MONDO:0014578, OMIM 616304.

gnomAD v4.1: 13 of 1,614,130 alleles (0.00081%); highest among the groups gnomAD compares: Non-Finnish European, 0.0011%; no homozygotes.

Submission:

Labcorp Genetics (formerly Invitae), Labcorp
Classification: Uncertain significance for Cenani-Lenz syndactyly syndrome; Sclerosteosis 2; Congenital myasthenic syndrome 17. Last evaluated: 2024-04-10. Review status: criteria provided, single submitter. Criteria: Invitae Variant Classification Sherloc (09022015). Collection method: clinical testing. Allele origin: germline.
Comment: This sequence change replaces glutamic acid, which is acidic and polar, with lysine, which is basic and polar, at codon 980 of the LRP4 protein (p.Glu980Lys). This variant is present in population databases (rs764623614, gnomAD 0.002%). This variant has not been reported in the literature in individuals affected with LRP4-related conditions. Advanced modeling of protein sequence and biophysical properties (such as structural, functional, and spatial information, amino acid conservation, physicochemical variation, residue mobility, and thermodynamic stability) performed at Invitae indicates that this missense variant is not expected to disrupt LRP4 protein function with a negative predictive value of 80%. In summary, the available evidence is currently insufficient to determine the role of this variant in disease. Therefore, it has been classified as a Variant of Uncertain Significance.